The following is an entry in ClinVar:

ClinVar aggregate classification (germline): Conflicting classifications of pathogenicity. Review status: criteria provided, conflicting classifications (1 of 4 stars). 5 submissions from 5 submitters: Uncertain significance (3); Likely benign (2). Last evaluated 2026-01-20.

Conditions:
Wilson disease (WND). Also called: Wilson's disease. Identifiers: Orphanet 905, MedGen C0019202, MONDO:0010200, OMIM 277900. Disease mechanism: loss of function.

Allele frequency attached by ClinVar (database versions not stated): gnomAD exomes 0.00008; ExAC 0.00009; gnomAD 0.00019 and 0.00021; 1000 Genomes Project 0.00020; TOPMed 0.00022; 1000 Genomes Project 30x 0.00031.
gnomAD v4.1: 64 of 1,614,176 alleles (0.004%); highest among the groups gnomAD compares: African/African-American, 0.081%; no homozygotes.

Submissions (5):

Labcorp Genetics (formerly Invitae), Labcorp
Classification: Likely benign for Wilson disease. Last evaluated: 2026-01-20. Review status: criteria provided, single submitter. Criteria: Invitae Variant Classification Sherloc (09022015). Collection method: clinical testing. Allele origin: germline.

Blueprint Genetics
Classification: Likely benign. Last evaluated: 2024-11-25. Review status: criteria provided, single submitter. Criteria: ACMG Guidelines, 2015. Collection method: clinical testing. Allele origin: germline.

All of Us Research Program, National Institutes of Health
Classification: Uncertain significance for Wilson disease. Last evaluated: 2024-05-14. Review status: criteria provided, single submitter. Criteria: ACMG Guidelines, 2015. Collection method: clinical testing. Allele origin: germline. Inheritance: Autosomal recessive inheritance. Observed: 15 variant alleles, 15 heterozygotes.
Comment: This missense variant replaces alanine with valine at codon 1445 of the ATP7B protein. Computational prediction suggests that this variant may not impact protein structure and function (internally defined REVEL score threshold <= 0.5, PMID: 27666373). To our knowledge, functional studies have not been reported for this variant. This variant has not been reported in individuals affected with Wilson disease in the literature. This variant has been identified in 26/280918 chromosomes in the general population by the Genome Aggregation Database (gnomAD). The available evidence is insufficient to determine the role of this variant in disease conclusively. Therefore, this variant is classified as a Variant of Uncertain Significance.

This study involves interpretation of variants in research participants for the purpose of population health screening. Participant phenotype was not available at the time of variant classification. Additional details can be found in publication PMID: 35346344, PMCID: PMC8962531

Fulgent Genetics
Classification: Uncertain significance for Wilson disease. Last evaluated: 2024-03-09. Review status: criteria provided, single submitter. Criteria: ACMG Guidelines, 2015. Collection method: clinical testing. Allele origin: germline.

Color Diagnostics, LLC DBA Color Health
Classification: Uncertain significance for Wilson disease. Last evaluated: 2024-03-06. Review status: criteria provided, single submitter. Criteria: ACMG Guidelines, 2015. Collection method: clinical testing. Allele origin: germline.
Comment: This missense variant replaces alanine with valine at codon 1445 of the ATP7B protein. Computational prediction suggests that this variant may not impact protein structure and function. To our knowledge, functional studies have not been reported for this variant. This variant has not been reported in individuals affected with Wilson disease in the literature. This variant has been identified in 26/280918 chromosomes in the general population by the Genome Aggregation Database (gnomAD). The available evidence is insufficient to determine the role of this variant in disease conclusively. Therefore, this variant is classified as a Variant of Uncertain Significance.

NM_000053.4(ATP7B):c.4334C>T (p.Ala1445Val)

Gene: ATP7B (ATPase copper transporting beta; minus strand). Cytogenetic location: 13q14.3.
Variant type: single nucleotide variant.
Coding change: c.4334C>T on transcript NM_000053.4 (MANE Select); coding-DNA position 4334, C replaced by T.
Protein change: p.Ala1445Val; replaces alanine 1445 with valine.
Molecular consequence: missense variant.
Genome position (GRCh38, 1-based): chr13:51,934,820, G>A on the plus strand (C>T on the coding strand, the complement: ATP7B is on the minus strand). VCF-style: chr13-51934820-G-A. GRCh37 (hg19) VCF-style: chr13-52508956-G-A.
Other names: c.3713C>T, p.Ala1238Val (NM_001005918.3); c.4001C>T, p.Ala1334Val (NM_001243182.2); c.4100C>T, p.Ala1367Val (NM_001330578.2); c.4082C>T, p.Ala1361Val (NM_001330579.2); short protein forms A1445V, A1238V, A1334V, A1361V, A1367V.
Identifiers: ClinVar variation 967564 (VCV000967564.15), dbSNP rs553861183, ClinGen allele CA6988417.